The following is an entry in ClinVar:

NM_001165963.4(SCN1A):c.4002+2310_4002+2311dup

Genes: SCN1A (sodium voltage-gated channel alpha subunit 1; minus strand), LOC102724058 (uncharacterized LOC102724058; plus strand). Cytogenetic location: 2q24.3.
Variant type: Duplication.
Coding change: c.4002+2310_4002+2311dup on transcript NM_001165963.4 (MANE Select); bases 2310 to 2311 of the intron after coding-DNA position 4002, 2 bases duplicated (AA; older notation c.4002+2310_4002+2311dupAA).
Molecular consequence: intron variant.
Genome position (GRCh38, 1-based): chr2:166,007,408-166,007,409, TT duplicated on the plus strand (AA on the coding strand, the reverse complement: SCN1A is on the minus strand). VCF-style (leftmost placement, unchanged base first): chr2-166007407-C-CTT. GRCh37 (hg19) VCF-style: chr2-166863917-C-CTT.
Other names: c.3969+2310_3969+2311dup (NM_001353949.2, NM_001353950.2, NM_001353951.2 and 2 more transcripts); c.3918+2310_3918+2311dup (NM_001353958.2, NM_001353957.2, NM_001165964.3); c.4002+2310_4002+2311dup (NM_001202435.3, NM_001353948.2); c.3966+2310_3966+2311dup (NM_001353955.2, NM_001353954.2); c.3915+2310_3915+2311dup (NM_001353960.2); c.1560+2310_1560+2311dup (NM_001353961.2).
Identifiers: ClinVar variation 2818608 (VCV002818608.3), dbSNP rs1411337052, ClinGen allele CA537134252.

ClinVar aggregate classification (germline): Uncertain significance (1 of 4 stars; one submission).

Conditions:
Early-infantile DEE. Also called: Early infantile epileptic encephalopathy; Early infantile epileptic encephalopathy with suppression bursts; Ohtahara syndrome. Identifiers: Orphanet 1934, MedGen C0393706, MONDO:0800491.

Allele frequency attached by ClinVar (database versions not stated): TOPMed below 0.00001; gnomAD 0.00001.

Submission:

Labcorp Genetics (formerly Invitae), Labcorp
Classification: Uncertain significance for Early-infantile DEE. Last evaluated: 2024-05-15. Review status: criteria provided, single submitter. Criteria: Invitae Variant Classification Sherloc (09022015). Collection method: clinical testing. Allele origin: germline.
Comment: This sequence change falls in intron 20 of the SCN1A gene. It does not directly change the encoded amino acid sequence of the SCN1A protein. However, this sequence change falls within a region encompassing a cryptic exon in the SCN1A gene, in which variants have been shown to alter splicing (PMID: 30526861, 34107977). This variant is present in population databases (no rsID available, gnomAD 0.01%). This variant has not been reported in the literature in individuals affected with SCN1A-related conditions. Algorithms developed to predict the effect of sequence changes on RNA splicing suggest that this variant is not likely to affect RNA splicing. In summary, the available evidence is currently insufficient to determine the role of this variant in disease. Therefore, it has been classified as a Variant of Uncertain Significance.

Literature cited by the submitters: PubMed 30526861; PubMed 34107977.